The following is an entry in ClinVar:

ClinVar aggregate classification (germline): Uncertain significance. Review status: criteria provided, multiple submitters, no conflicts (2 of 4 stars). 2 submissions from 2 submitters: Uncertain significance (2). Last evaluated 2024-02-23.

Allele frequency attached by ClinVar (database versions not stated): ExAC 0.00010; gnomAD exomes 0.00010; gnomAD 0.00011; TOPMed 0.00015.

Submissions (2):

Labcorp Genetics (formerly Invitae), Labcorp
Classification: Uncertain significance. Last evaluated: 2024-02-23. Review status: criteria provided, single submitter. Criteria: Invitae Variant Classification Sherloc (09022015). Collection method: clinical testing. Allele origin: germline.
Comment: This sequence change replaces lysine, which is basic and polar, with glutamic acid, which is acidic and polar, at codon 2296 of the WDR87 protein (p.Lys2296Glu). The frequency data for this variant in the population databases is considered unreliable, as metrics indicate poor data quality at this position in the gnomAD database. This variant has not been reported in the literature in individuals affected with WDR87-related conditions. ClinVar contains an entry for this variant (Variation ID: 2355929). Algorithms developed to predict the effect of missense changes on protein structure and function output the following: SIFT: "Not Available"; PolyPhen-2: "Not Available"; Align-GVGD: "Not Available". The glutamic acid amino acid residue is found in multiple mammalian species, which suggests that this missense change does not adversely affect protein function. In summary, the available evidence is currently insufficient to determine the role of this variant in disease. Therefore, it has been classified as a Variant of Uncertain Significance.

Ambry Genetics
Classification: Uncertain significance. Last evaluated: 2021-10-22. Review status: criteria provided, single submitter. Criteria: Ambry Variant Classification Scheme 2023. Collection method: clinical testing. Allele origin: germline.

NM_001291088.2(WDR87):c.7003A>G (p.Lys2335Glu)

Gene: WDR87 (WD repeat domain 87; minus strand). Cytogenetic location: 19q13.13.
Variant type: single nucleotide variant.
Coding change: c.7003A>G on transcript NM_001291088.2 (MANE Select); coding-DNA position 7003, A replaced by G.
Protein change: p.Lys2335Glu; replaces lysine 2335 with glutamic acid.
Molecular consequence: missense variant.
Genome position (GRCh38, 1-based): chr19:37,886,668, T>C on the plus strand (A>G on the coding strand, the complement: WDR87 is on the minus strand). VCF-style: chr19-37886668-T-C. GRCh37 (hg19) VCF-style: chr19-38377308-T-C.
Other names: c.6886A>G, p.Lys2296Glu (NM_031951.5); short protein forms K2335E, K2296E.
Identifiers: ClinVar variation 2355929 (VCV002355929.5), dbSNP rs779171523, ClinGen allele CA9408448.